The following is an entry in ClinVar:

ClinVar aggregate classification (germline): Uncertain significance (1 of 4 stars; one submission).

Conditions:
Inborn genetic diseases. Identifiers: MedGen C0950123, MeSH D030342.

gnomAD v4.1: 5 of 1,599,998 alleles (0.00031%); highest among the groups gnomAD compares: Non-Finnish European, 0.00043%; no homozygotes.

Submission:

Ambry Genetics
Classification: Uncertain significance for Inborn genetic diseases. Last evaluated: 2021-09-09. Review status: criteria provided, single submitter. Criteria: Ambry Variant Classification Scheme 2023. Collection method: clinical testing. Allele origin: germline.
Comment: The p.T266S variant (also known as c.797C>G), located in coding exon 8 of the PEX7 gene, results from a C to G substitution at nucleotide position 797. The threonine at codon 266 is replaced by serine, an amino acid with similar properties. This amino acid position is conserved. In addition, this alteration is predicted to be tolerated by in silico analysis. Since supporting evidence is limited at this time, the clinical significance of this alteration remains unclear.

NM_000288.4(PEX7):c.797C>G (p.Thr266Ser)

Gene: PEX7 (peroxisomal biogenesis factor 7; plus strand). Cytogenetic location: 6q23.3.
Variant type: single nucleotide variant.
Coding change: c.797C>G on transcript NM_000288.4 (MANE Select); coding-DNA position 797, C replaced by G.
Protein change: p.Thr266Ser; replaces threonine 266 with serine.
Molecular consequence: missense variant.
Genome position (GRCh38, 1-based): chr6:136,872,247, C>G. VCF-style: chr6-136872247-C-G. GRCh37 (hg19) VCF-style: chr6-137193385-C-G.
Other names: c.683C>G, p.Thr228Ser (NM_001410945.1); short protein forms T228S, T266S.
Identifiers: ClinVar variation 1761452 (VCV001761452.2), dbSNP rs1452611618, ClinGen allele CA365764488.